The following is an entry in ClinVar:

ClinVar aggregate classification (germline): Uncertain significance (1 of 4 stars; one submission).

Submission:

Labcorp Genetics (formerly Invitae), Labcorp
Classification: Uncertain significance. Last evaluated: 2025-10-14. Review status: criteria provided, single submitter. Criteria: Invitae Variant Classification Sherloc (09022015). Collection method: clinical testing. Allele origin: germline.
Comment: This sequence change replaces phenylalanine, which is neutral and non-polar, with leucine, which is neutral and non-polar, at codon 98 of the OAS1 protein (p.Phe98Leu). This variant is not present in population databases (gnomAD no frequency). This variant has not been reported in the literature in individuals affected with OAS1-related conditions. An algorithm developed to predict the effect of missense changes on protein structure and function (PolyPhen-2) suggests that this variant is likely to be tolerated. In summary, the available evidence is currently insufficient to determine the role of this variant in disease. Therefore, it has been classified as a Variant of Uncertain Significance.

NM_016816.4(OAS1):c.294C>A (p.Phe98Leu)

Gene: OAS1 (2'-5'-oligoadenylate synthetase 1; plus strand). Cytogenetic location: 12q24.13.
Variant type: single nucleotide variant.
Coding change: c.294C>A on transcript NM_016816.4 (MANE Select); coding-DNA position 294, C replaced by A.
Protein change: p.Phe98Leu; replaces phenylalanine 98 with leucine.
Molecular consequence: missense variant. On other transcripts: non-coding transcript variant (9), intron variant (4).
Genome position (GRCh38, 1-based): chr12:112,908,649, C>A. VCF-style: chr12-112908649-C-A. GRCh37 (hg19) VCF-style: chr12-113346454-C-A.
Other names: c.294C>A, p.Phe98Leu (NM_001032409.3, NM_001320151.2, NM_001406020.1 and 6 more transcripts); c.180+1430C>A (NM_001406030.1, NM_001406029.1, NM_001406027.1 and 1 more transcripts); short protein forms F98L.
Identifiers: ClinVar variation 4727323 (VCV004727323.1).
Genomic context (GRCh38, chr12:112,908,649, plus strand): 5'-GGTTGTCTTCCTCAGTCCTCTCACCACTTTTCAGGATCAGTTAAATCGCCGGGGAGAGTT[C>A]ATCCAGGAAATTAGGAGACAGCTGGAAGCCTGTCAAAGAGAGAGAGCATTTTCCGTGAAG-3'
Protein context (NP_058132.2, residues 88-108): FQDQLNRRGE[Phe98Leu]IQEIRRQLEA